The following is an entry in ClinVar:

NM_002585.4(PBX1):c.554A>G (p.Glu185Gly)

Gene: PBX1 (PBX homeobox 1; plus strand). Cytogenetic location: 1q23.3.
Variant type: single nucleotide variant.
Coding change: c.554A>G on transcript NM_002585.4 (MANE Select); coding-DNA position 554, A replaced by G.
Protein change: p.Glu185Gly; replaces glutamic acid 185 with glycine.
Molecular consequence: missense variant.
Genome position (GRCh38, 1-based): chr1:164,799,742, A>G. VCF-style: chr1-164799742-A-G. GRCh37 (hg19) VCF-style: chr1-164768979-A-G.
Other names: c.554A>G, p.Glu185Gly (NM_001204961.2, NM_001204963.2, NM_001353131.2); c.305A>G, p.Glu102Gly (NM_001353130.1); short protein forms E102G, E185G.
Identifiers: ClinVar variation 3901412 (VCV003901412.1).

ClinVar aggregate classification (germline): Uncertain significance (1 of 4 stars; one submission).

Submission:

GeneDx
Classification: Uncertain significance. Last evaluated: 2024-12-07. Review status: criteria provided, single submitter. Criteria: GeneDx Variant Classification Process June 2021. Collection method: clinical testing. Allele origin: germline. Affected: yes.
Comment: Not observed at significant frequency in large population cohorts (gnomAD); In silico analysis supports that this missense variant has a deleterious effect on protein structure/function; Has not been previously published as pathogenic or benign to our knowledge